The following is an entry in ClinVar:

NM_003872.3(NRP2):c.553A>T (p.Met185Leu)

Gene: NRP2 (neuropilin 2; plus strand). Cytogenetic location: 2q33.3.
Variant type: single nucleotide variant.
Coding change: c.553A>T on transcript NM_003872.3 (MANE Select); coding-DNA position 553, A replaced by T.
Protein change: p.Met185Leu; replaces methionine 185 with leucine.
Molecular consequence: missense variant.
Genome position (GRCh38, 1-based): chr2:205,722,597, A>T. VCF-style: chr2-205722597-A-T. GRCh37 (hg19) VCF-style: chr2-206587321-A-T.
Other names: c.553A>T, p.Met185Leu (NM_018534.4, NM_201264.2, NM_201266.2 and 2 more transcripts); short protein forms M185L.
Identifiers: ClinVar variation 3354055 (VCV003354055.2).
Genomic context (GRCh38, chr2:205,722,597, plus strand): 5'-TTTCCTGAGAAGTATCCACACAACTTGGACTGCACCTTTACCATCCTGGCCAAACCCAAG[A>T]TGGAGATCATCCTGCAGTTCCTGATCTTTGACCTGGAGCATGACCCTTTGCAGGTGGGAG-3'
Protein context (NP_003863.2, residues 175-195): CTFTILAKPK[Met185Leu]EIILQFLIFD

ClinVar aggregate classification (germline): Uncertain significance (1 of 4 stars; one submission).

Conditions:
NRP2-related disorder. Also called: NRP2-related condition.

Submission:

PreventionGenetics, part of Exact Sciences
Classification: Uncertain significance for NRP2-related condition. Last evaluated: 2024-11-01. Review status: criteria provided, single submitter. Criteria: ACMG Guidelines, 2015. Collection method: clinical testing. Allele origin: germline.
Comment: The NRP2 c.553A>T variant is predicted to result in the amino acid substitution p.Met185Leu. To our knowledge, this variant has not been reported in the literature or in a large population database, indicating this variant is rare. At this time, the clinical significance of this variant is uncertain due to the absence of conclusive functional and genetic evidence.